The following is an entry in ClinVar:

NM_001134831.2(AHI1):c.400C>T (p.Pro134Ser)

Gene: AHI1 (Abelson helper integration site 1; minus strand). Cytogenetic location: 6q23.3.
Variant type: single nucleotide variant.
Coding change: c.400C>T on transcript NM_001134831.2 (MANE Select); coding-DNA position 400, C replaced by T.
Protein change: p.Pro134Ser; replaces proline 134 with serine.
Molecular consequence: missense variant.
Genome position (GRCh38, 1-based): chr6:135,466,163, G>A on the plus strand (C>T on the coding strand, the complement: AHI1 is on the minus strand). VCF-style: chr6-135466163-G-A. GRCh37 (hg19) VCF-style: chr6-135787301-G-A.
Other names: c.400C>T, p.Pro134Ser (NM_001134830.2, NM_001134832.2, NM_001350503.2 and 2 more transcripts); short protein forms P134S.
Identifiers: ClinVar variation 391535 (VCV000391535.19), dbSNP rs368077581, ClinGen allele CA4012837.
Genomic context (GRCh38, chr6:135,466,163, plus strand): 5'-GTGTAGAATCAACCTTATTCTCAGGAGTTTCCGGTTTCAGGTCTTGTGTAGTCAACTGGG[G>A]CACCGTCTTTATCACCTTTTTATTTGGCTTTCCTTGTTTGTCTTCCTCTACACTAGCATC-3'
Protein context (NP_001128303.1, residues 124-144): KPNKKVIKTV[Pro134Ser]QLTTQDLKPE

ClinVar aggregate classification (germline): Conflicting classifications of pathogenicity. Review status: criteria provided, conflicting classifications (1 of 4 stars). 5 submissions from 5 submitters: Uncertain significance (3); Likely benign (2). Last evaluated 2026-01-12.

Conditions:
Joubert syndrome 3 (JBTS3). Also called: AHI1-related Ciliopathy. Identifiers: Orphanet 220493, MedGen C1837713, MONDO:0012078, OMIM 608629.
Joubert syndrome. Also called: JOUBERT-BOLTSHAUSER SYNDROME; Familial aplasia of the vermis. Identifiers: Orphanet 475, MedGen C5979921, MONDO:0018772.
Inborn genetic diseases. Identifiers: MedGen C0950123, MeSH D030342.

Allele frequency attached by ClinVar (database versions not stated): ExAC 0.00008; ESP Exome Variant Server 0.00008; gnomAD 0.00009; gnomAD exomes 0.00009; TOPMed 0.00009.

Submissions (5):

Labcorp Genetics (formerly Invitae), Labcorp
Classification: Likely benign for Joubert syndrome. Last evaluated: 2026-01-12. Review status: criteria provided, single submitter. Criteria: Invitae Variant Classification Sherloc (09022015). Collection method: clinical testing. Allele origin: germline.

Blueprint Genetics
Classification: Uncertain significance. Last evaluated: 2024-11-12. Review status: criteria provided, single submitter. Criteria: ACMG Guidelines, 2015. Collection method: clinical testing. Allele origin: germline.

Ambry Genetics
Classification: Uncertain significance for Inborn genetic diseases. Last evaluated: 2024-09-02. Review status: criteria provided, single submitter. Criteria: Ambry Variant Classification Scheme 2023. Collection method: clinical testing. Allele origin: germline.

GeneDx
Classification: Likely benign. Last evaluated: 2020-02-14. Review status: criteria provided, single submitter. Criteria: GeneDx Variant Classification Process June 2021. Collection method: clinical testing. Allele origin: germline. Affected: yes.
Comment: In silico analysis supports that this missense variant does not alter protein structure/function; Has not been previously published as pathogenic or benign to our knowledge

Illumina Laboratory Services, Illumina
Classification: Uncertain significance for Joubert syndrome 3. Last evaluated: 2018-01-13. Review status: criteria provided, single submitter. Criteria: ICSL Variant Classification Criteria 13 December 2019. Collection method: clinical testing. Allele origin: germline.